The following is an entry in ClinVar:

ClinVar aggregate classification (germline): Benign. Review status: criteria provided, single submitter (1 of 4 stars). 2 submissions from 2 submitters: Benign (1). 1 of the submissions does not count toward it. Last evaluated 2021-05-21.

Conditions:
SUN1-related disorder. Also called: SUN1-related condition.

Allele frequency attached by ClinVar (database versions not stated): gnomAD 0.00009 and 0.00271; TOPMed 0.00048; gnomAD exomes 0.00460 and 0.01035; 1000 Genomes Project 30x 0.01686; 1000 Genomes Project 0.01697; ExAC 0.01774.

Submissions (2):

GeneDx
Classification: Benign. Last evaluated: 2021-05-21. Review status: criteria provided, single submitter. Criteria: GeneDx Variant Classification Process June 2021. Collection method: clinical testing. Allele origin: germline. Affected: yes.

PreventionGenetics, part of Exact Sciences
Classification: Benign for SUN1-related condition. Last evaluated: 2019-04-22. Review status: no assertion criteria provided. Collection method: clinical testing. Allele origin: germline. Not counted in ClinVar's aggregate classification.
Comment: This variant is classified as benign based on ACMG/AMP sequence variant interpretation guidelines (Richards et al. 2015 PMID: 25741868, with internal and published modifications).

NM_001130965.3(SUN1):c.658+121A>G

Gene: SUN1 (Sad1 and UNC84 domain containing 1; plus strand). Cytogenetic location: 7p22.3.
Variant type: single nucleotide variant.
Coding change: c.658+121A>G on transcript NM_001130965.3 (MANE Select); 121 bases into the intron after coding-DNA position 658, A replaced by G.
Molecular consequence: intron variant. On other transcripts: 3 prime UTR variant (2).
Genome position (GRCh38, 1-based): chr7:843,641, A>G. VCF-style: chr7-843641-A-G. GRCh37 (hg19) VCF-style: chr7-883278-A-G.
Other names: c.*5A>G (NM_001171945.2, NM_001171946.2); c.658+121A>G (NM_001367634.1, NM_001367705.1, NM_001367703.1 and 32 more transcripts); c.877+121A>G (NM_001367651.1); c.685+121A>G (NM_001367669.1); c.201+121A>G (NM_001367635.1); c.451+1511A>G (NM_001171944.2); c.469+121A>G (NM_001367695.1); c.508+121A>G (NM_001367666.1, NM_001367655.1, NM_001367691.1 and 23 more transcripts); and 2 more.
Identifiers: ClinVar variation 1288971 (VCV001288971.3), dbSNP rs200975124, ClinGen allele CA4111653.
Genomic context (GRCh38, chr7:843,641, plus strand): 5'-TCTGTAAGTCTCAGTGTCTGCACTATTTGTCTTGGAGACTTAAAATTATCCCTTGAAAGC[A>G]TAAGAAGTACACCCCAAACCAGCTTTGTCCTTCCTGTCCTCTTCTAGTTTACATTTTATG-3'